The following is an entry in ClinVar:

ClinVar aggregate classification (germline): Uncertain significance (1 of 4 stars; one submission).

Conditions:
Peroxisome biogenesis disorder, complementation group K (CGK). Identifiers: MedGen C1866257, MONDO:0800365.

Submission:

Labcorp Genetics (formerly Invitae), Labcorp
Classification: Uncertain significance for Peroxisome biogenesis disorder, complementation group K. Last evaluated: 2022-08-10. Review status: criteria provided, single submitter. Criteria: Invitae Variant Classification Sherloc (09022015). Collection method: clinical testing. Allele origin: germline.
Comment: In summary, the available evidence is currently insufficient to determine the role of this variant in disease. Therefore, it has been classified as a Variant of Uncertain Significance. Algorithms developed to predict the effect of missense changes on protein structure and function are either unavailable or do not agree on the potential impact of this missense change (SIFT: "Tolerated"; PolyPhen-2: "Probably Damaging"; Align-GVGD: "Class C0"). ClinVar contains an entry for this variant (Variation ID: 1387538). This variant has not been reported in the literature in individuals affected with PEX14-related conditions. This variant is not present in population databases (gnomAD no frequency). This sequence change replaces tryptophan, which is neutral and slightly polar, with arginine, which is basic and polar, at codon 241 of the PEX14 protein (p.Trp241Arg).

NM_004565.3(PEX14):c.721T>C (p.Trp241Arg)

Gene: PEX14 (peroxisomal biogenesis factor 14; plus strand). Cytogenetic location: 1p36.22.
Variant type: single nucleotide variant.
Coding change: c.721T>C on transcript NM_004565.3 (MANE Select); coding-DNA position 721, T replaced by C.
Protein change: p.Trp241Arg; replaces tryptophan 241 with arginine.
Molecular consequence: missense variant.
Genome position (GRCh38, 1-based): chr1:10,629,574, T>C. VCF-style: chr1-10629574-T-C. GRCh37 (hg19) VCF-style: chr1-10689631-T-C.
Other names: short protein forms W241R.
Identifiers: ClinVar variation 1387538 (VCV001387538.8), dbSNP rs2124649865, ClinGen allele CA338338250.